The following is an entry in ClinVar:

NM_006531.5(IFT88):c.1767A>T (p.Leu589Phe)

Gene: IFT88 (intraflagellar transport 88; plus strand). Cytogenetic location: 13q12.11.
Variant type: single nucleotide variant.
Coding change: c.1767A>T on transcript NM_006531.5 (MANE Select); coding-DNA position 1767, A replaced by T.
Protein change: p.Leu589Phe; replaces leucine 589 with phenylalanine.
Molecular consequence: missense variant. On other transcripts: non-coding transcript variant (4).
Genome position (GRCh38, 1-based): chr13:20,643,539, A>T. VCF-style: chr13-20643539-A-T. GRCh37 (hg19) VCF-style: chr13-21217678-A-T.
Other names: c.1710A>T, p.Leu570Phe (NM_001318491.2, NM_001353575.2); c.1794A>T, p.Leu598Phe (NM_001318493.2, NM_001353565.2, NM_001353566.2 and 2 more transcripts); c.1767A>T, p.Leu589Phe (NM_001353568.2, NM_001353572.2); c.1692A>T, p.Leu564Phe (NM_001353569.2, NM_001353570.2, NM_001353576.2 and 1 more transcripts); c.1665A>T, p.Leu555Phe (NM_001353571.2, NM_001353578.2); c.1623A>T, p.Leu541Phe (NM_001353573.2); c.1608A>T, p.Leu536Phe (NM_001353574.2); c.1134A>T, p.Leu378Phe (NM_001353579.2); short protein forms L378F, L564F, L570F, L541F, L555F, L598F, L536F, L589F.
Identifiers: ClinVar variation 2973086 (VCV002973086.3), dbSNP rs140243413, ClinGen allele CA387474381.

ClinVar aggregate classification (germline): Uncertain significance (1 of 4 stars; one submission).

gnomAD v4.1: 3 of 1,611,190 alleles (0.00019%); highest among the groups gnomAD compares: Non-Finnish European, 0.00025%; no homozygotes.

Submission:

Labcorp Genetics (formerly Invitae), Labcorp
Classification: Uncertain significance. Last evaluated: 2023-12-26. Review status: criteria provided, single submitter. Criteria: Invitae Variant Classification Sherloc (09022015). Collection method: clinical testing. Allele origin: germline.
Comment: This sequence change replaces leucine, which is neutral and non-polar, with phenylalanine, which is neutral and non-polar, at codon 598 of the IFT88 protein (p.Leu598Phe). This variant is present in population databases (no rsID available, gnomAD 0.0009%). This variant has not been reported in the literature in individuals affected with IFT88-related conditions. An algorithm developed to predict the effect of missense changes on protein structure and function (PolyPhen-2) suggests that this variant is likely to be tolerated. In summary, the available evidence is currently insufficient to determine the role of this variant in disease. Therefore, it has been classified as a Variant of Uncertain Significance.